The following is an entry in ClinVar:

NR_033320.3(MIAT):n.4786G>T

Gene: MIAT (myocardial infarction associated transcript; plus strand). Cytogenetic location: 22q12.1.
Variant type: single nucleotide variant.
Molecular consequence: non-coding transcript variant (on NR_033320.3).
Genome position: GRCh38 VCF-style: chr22-26671260-G-T. GRCh37 (hg19) VCF-style: chr22-27067223-G-T.
Identifiers: ClinVar variation 3060877 (VCV003060877.1), dbSNP rs2517485908, ClinGen allele CA514063788.
Genomic context (GRCh38, chr22:26,671,260, plus strand): 5'-ATATTTGCAGGGGGTGCTCTGAGACCCACAGCCAATAAATAGGGAAGCAACATGCTTTTG[G>T]GCAGGGTCCATGTGGTTAGGGTTGATTTTGATGGGGCTGGGGGGCTTAGAGTTAGACCCC-3'

ClinVar aggregate classification (germline): Benign (1 of 4 stars; one submission).

Conditions:
MIAT-related disorder. Also called: MIAT-related condition.

Submission:

PreventionGenetics, part of Exact Sciences
Classification: Benign for MIAT-related condition. Last evaluated: 2019-07-25. Review status: criteria provided, single submitter. Criteria: ACMG Guidelines, 2015. Collection method: clinical testing. Allele origin: germline.
Comment: This variant is classified as benign based on ACMG/AMP sequence variant interpretation guidelines (Richards et al. 2015 PMID: 25741868, with internal and published modifications).